The following is an entry in ClinVar:

NM_000535.7(PMS2):c.1631A>T (p.Asp544Val)

Gene: PMS2 (PMS1 homolog 2, mismatch repair system component; minus strand). Cytogenetic location: 7p22.1.
Variant type: single nucleotide variant.
Coding change: c.1631A>T on transcript NM_000535.7 (MANE Select); coding-DNA position 1631, A replaced by T.
Protein change: p.Asp544Val; replaces aspartic acid 544 with valine.
Molecular consequence: missense variant. On other transcripts: non-coding transcript variant (1).
Genome position (GRCh38, 1-based): chr7:5,987,134, T>A on the plus strand (A>T on the coding strand, the complement: PMS2 is on the minus strand). VCF-style: chr7-5987134-T-A. GRCh37 (hg19) VCF-style: chr7-6026765-T-A.
Other names: c.1226A>T, p.Asp409Val (NM_001322003.2, NM_001322004.2, NM_001322005.2 and 1 more transcripts); c.1475A>T, p.Asp492Val (NM_001322006.2); c.1313A>T, p.Asp438Val (NM_001322007.2, NM_001322008.2); c.1070A>T, p.Asp357Val (NM_001322010.2); c.698A>T, p.Asp233Val (NM_001322011.2, NM_001322012.2); c.1058A>T, p.Asp353Val (NM_001322013.2); c.1631A>T, p.Asp544Val (NM_001322014.2); c.1322A>T, p.Asp441Val (NM_001322015.2); short protein forms D544V, D233V, D353V, D357V, D492V, D409V, D438V, D441V.
Identifiers: ClinVar variation 632950 (VCV000632950.6), dbSNP rs1562629531, ClinGen allele CA366741442.

ClinVar aggregate classification (germline): Uncertain significance. Review status: criteria provided, multiple submitters, no conflicts (2 of 4 stars). 3 submissions from 3 submitters: Uncertain significance (3). Last evaluated 2024-06-08.

Conditions:
Hereditary nonpolyposis colorectal neoplasms. Identifiers: MedGen C0009405, MeSH D003123.
Hereditary cancer-predisposing syndrome. Also called: Tumor predisposition; Neoplastic Syndromes, Hereditary; Hereditary neoplastic syndrome; Hereditary Cancer Syndrome. Identifiers: Orphanet 140162, MedGen C0027672, MeSH D009386, MONDO:0015356.

Submissions (3):

Ambry Genetics
Classification: Uncertain significance for Hereditary cancer-predisposing syndrome. Last evaluated: 2024-06-08. Review status: criteria provided, single submitter. Criteria: Ambry Variant Classification Scheme 2023. Collection method: clinical testing. Allele origin: germline.
Comment: The p.D544V variant (also known as c.1631A>T), located in coding exon 11 of the PMS2 gene, results from an A to T substitution at nucleotide position 1631. The aspartic acid at codon 544 is replaced by valine, an amino acid with highly dissimilar properties. This amino acid position is conserved. In addition, this alteration is predicted to be tolerated by in silico analysis. Based on the available evidence, the clinical significance of this variant remains unclear.

Labcorp Genetics (formerly Invitae), Labcorp
Classification: Uncertain significance for Hereditary nonpolyposis colorectal neoplasms. Last evaluated: 2023-06-27. Review status: criteria provided, single submitter. Criteria: Invitae Variant Classification Sherloc (09022015). Collection method: clinical testing. Allele origin: germline.
Comment: This sequence change replaces aspartic acid, which is acidic and polar, with valine, which is neutral and non-polar, at codon 544 of the PMS2 protein (p.Asp544Val). This variant is not present in population databases (gnomAD no frequency). This variant has not been reported in the literature in individuals affected with PMS2-related conditions. ClinVar contains an entry for this variant (Variation ID: 632950). Advanced modeling of protein sequence and biophysical properties (such as structural, functional, and spatial information, amino acid conservation, physicochemical variation, residue mobility, and thermodynamic stability) performed at Invitae indicates that this missense variant is not expected to disrupt PMS2 protein function. Algorithms developed to predict the effect of sequence changes on RNA splicing suggest that this variant may create or strengthen a splice site. In summary, the available evidence is currently insufficient to determine the role of this variant in disease. Therefore, it has been classified as a Variant of Uncertain Significance.

Women's Health and Genetics/Laboratory Corporation of America, LabCorp
Classification: Uncertain significance. Last evaluated: 2018-01-08. Review status: criteria provided, single submitter. Criteria: LabCorp Variant Classification Summary - May 2015. Collection method: clinical testing. Allele origin: germline.
Comment: Variant summary: The PMS2 c.1631A>T (p.Asp544Val) variant involves the alteration of a non-conserved nucleotide and 3/4 in silico tools predict a benign outcome for this variant (SNPsandGO not captured due to low reliability index). However, these predictions have yet to be functionally assessed. This variant is absent in 245568 control chromosomes (gnomAD). The variant of interest has not, to our knowledge, been reported in affected individuals via publications and/or reputable databases/clinical diagnostic laboratories; nor evaluated for functional impact by in vivo/vitro studies. Because of the absence of clinical information and the lack of functional studies, the variant is classified as a "Variant of Uncertain Significance (VUS)," until additional information becomes available.